The following is an entry in ClinVar:

NM_000179.3(MSH6):c.2878A>G (p.Asn960Asp)

Gene: MSH6 (mutS homolog 6; plus strand). Cytogenetic location: 2p16.3.
Variant type: single nucleotide variant.
Coding change: c.2878A>G on transcript NM_000179.3 (MANE Select); coding-DNA position 2878, A replaced by G.
Protein change: p.Asn960Asp; replaces asparagine 960 with aspartic acid.
Molecular consequence: missense variant.
Genome position (GRCh38, 1-based): chr2:47,800,861, A>G. VCF-style: chr2-47800861-A-G. GRCh37 (hg19) VCF-style: chr2-48028000-A-G.
Other names: c.2488A>G, p.Asn830Asp (NM_001281492.2); c.1972A>G, p.Asn658Asp (NM_001281493.2, NM_001281494.2); c.2878A>G (NM_000179.2); short protein forms N658D, N830D, N960D.
Identifiers: ClinVar variation 1053815 (VCV001053815.13), dbSNP rs2104428431, ClinGen allele CA346756016.
Genomic context (GRCh38, chr2:47,800,861, plus strand): 5'-GCTCTTGCTGACATAAGAGAAAATGAACAGAGCCTCCTGGAATACCTAGAGAAACAGCGC[A>G]ACAGAATTGGCTGTAGGACCATAGTCTATTGGGGGATTGGTAGGAACCGTTACCAGCTGG-3'
Protein context (NP_000170.1, residues 950-970): SLLEYLEKQR[Asn960Asp]RIGCRTIVYW

ClinVar aggregate classification (germline): Uncertain significance. Review status: criteria provided, multiple submitters, no conflicts (2 of 4 stars). 5 submissions from 5 submitters: Uncertain significance (5). Last evaluated 2026-07-06.

Conditions:
Lynch syndrome 5 (LYNCH5). Also called: Hereditary non-polyposis colorectal cancer, type 5; Colorectal cancer, hereditary nonpolyposis, type 5. Identifiers: Orphanet 144, MedGen C1833477, MONDO:0013710, OMIM 614350. Disease mechanism: loss of function.
Mismatch repair cancer syndrome 3. Identifiers: MedGen C5436807, MONDO:0030841, OMIM 619097.
Hereditary cancer-predisposing syndrome. Also called: Tumor predisposition; Hereditary Cancer Syndrome; Hereditary neoplastic syndrome; Neoplastic Syndromes, Hereditary. Identifiers: Orphanet 140162, MedGen C0027672, MeSH D009386, MONDO:0015356.
Hereditary nonpolyposis colorectal neoplasms. Identifiers: MedGen C0009405, MeSH D003123.
Endometrial carcinoma. Also called: Endometrial carcinoma, somatic. Identifiers: MedGen C0476089, MONDO:0002447, OMIM 608089, HP:0012114.

Submissions (5):

Ambry Genetics
Classification: Uncertain significance for Hereditary cancer-predisposing syndrome. Last evaluated: 2026-07-06. Review status: criteria provided, single submitter. Criteria: Ambry Variant Classification Scheme 2023. Collection method: clinical testing. Allele origin: germline.
Comment: The p.N960D variant (also known as c.2878A>G), located in coding exon 4 of the MSH6 gene, results from an A to G substitution at nucleotide position 2878. The asparagine at codon 960 is replaced by aspartic acid, an amino acid with highly similar properties. This amino acid position is conserved. In addition, this alteration is predicted to be tolerated by in silico analysis. Based on the available evidence, the clinical significance of this variant remains unclear.

GeneDx
Classification: Uncertain significance. Last evaluated: 2023-11-30. Review status: criteria provided, single submitter. Criteria: GeneDx Variant Classification Process June 2021. Collection method: clinical testing. Allele origin: germline. Affected: yes.
Comment: Not observed at significant frequency in large population cohorts (gnomAD); In silico analysis supports that this missense variant does not alter protein structure/function; Has not been previously published as pathogenic or benign to our knowledge; This variant is associated with the following publications: (PMID: 17531815, 21120944)

Baylor Genetics
Classification: Uncertain significance for Endometrial carcinoma. Last evaluated: 2023-09-05. Review status: criteria provided, single submitter. Criteria: ACMG Guidelines, 2015. Collection method: clinical testing. Allele origin: unknown.

Labcorp Genetics (formerly Invitae), Labcorp
Classification: Uncertain significance for Hereditary nonpolyposis colorectal neoplasms. Last evaluated: 2023-04-28. Review status: criteria provided, single submitter. Criteria: Invitae Variant Classification Sherloc (09022015). Collection method: clinical testing. Allele origin: germline.
Comment: This variant has not been reported in the literature in individuals affected with MSH6-related conditions. In summary, the available evidence is currently insufficient to determine the role of this variant in disease. Therefore, it has been classified as a Variant of Uncertain Significance. Advanced modeling of protein sequence and biophysical properties (such as structural, functional, and spatial information, amino acid conservation, physicochemical variation, residue mobility, and thermodynamic stability) performed at Invitae indicates that this missense variant is not expected to disrupt MSH6 protein function. ClinVar contains an entry for this variant (Variation ID: 1053815). This variant is not present in population databases (gnomAD no frequency). This sequence change replaces asparagine, which is neutral and polar, with aspartic acid, which is acidic and polar, at codon 960 of the MSH6 protein (p.Asn960Asp).

Color Diagnostics, LLC DBA Color Health
Classification: Uncertain significance for Hereditary cancer-predisposing syndrome. Last evaluated: 2023-03-06. Review status: criteria provided, single submitter. Criteria: ACMG Guidelines, 2015. Collection method: clinical testing. Allele origin: germline.
Comment: This missense variant replaces asparagine with aspartic acid at codon 960 of the MSH6 protein. Computational prediction suggests that this variant may not impact protein structure and function (internally defined REVEL score threshold <= 0.5, PMID: 27666373). To our knowledge, functional studies have not been reported for this variant. This variant has not been reported in individuals affected with MSH6-related disorders in the literature. This variant has not been identified in the general population by the Genome Aggregation Database (gnomAD). The available evidence is insufficient to determine the role of this variant in disease conclusively. Therefore, this variant is classified as a Variant of Uncertain Significance.